The following is an entry in ClinVar:

ClinVar aggregate classification (germline): Uncertain significance (1 of 4 stars; one submission).

Conditions:
Cardiovascular phenotype. Identifiers: MedGen CN230736.

Allele frequency attached by ClinVar (database versions not stated): gnomAD exomes below 0.00001; gnomAD 0.00001.
gnomAD v4.1: 2 of 1,614,070 alleles (0.00012%); highest among the groups gnomAD compares: Non-Finnish European, 0.00017%; no homozygotes.

Submission:

Ambry Genetics
Classification: Uncertain significance for Cardiovascular phenotype. Last evaluated: 2022-01-19. Review status: criteria provided, single submitter. Criteria: Ambry Variant Classification Scheme 2023. Collection method: clinical testing. Allele origin: germline.
Comment: The p.H3323Y variant (also known as c.9967C>T), located in coding exon 41 of the AKAP9 gene, results from a C to T substitution at nucleotide position 9967. The histidine at codon 3323 is replaced by tyrosine, an amino acid with similar properties. This amino acid position is conserved. In addition, this alteration is predicted to be tolerated by in silico analysis. Since supporting evidence is limited at this time, the clinical significance of this alteration remains unclear.

NM_005751.5(AKAP9):c.9967C>T (p.His3323Tyr)

Gene: AKAP9 (A-kinase anchoring protein 9; plus strand). Cytogenetic location: 7q21.2.
Variant type: single nucleotide variant.
Coding change: c.9967C>T on transcript NM_005751.5 (MANE Select); coding-DNA position 9967, C replaced by T.
Protein change: p.His3323Tyr; replaces histidine 3323 with tyrosine.
Molecular consequence: missense variant.
Genome position (GRCh38, 1-based): chr7:92,096,926, C>T. VCF-style: chr7-92096926-C-T. GRCh37 (hg19) VCF-style: chr7-91726240-C-T.
Other names: c.4612C>T, p.His1538Tyr (NM_001379277.1); c.9943C>T, p.His3315Tyr (NM_147185.3); short protein forms H3315Y, H3323Y, H1538Y.
Identifiers: ClinVar variation 1768747 (VCV001768747.2), dbSNP rs1352400309, ClinGen allele CA368152368.
Genomic context (GRCh38, chr7:92,096,926, plus strand): 5'-GAATCTGAGAAAGTTCGAATTCGGGAAATGAGTAGTACCCTAGATAGGGAGCGGGAATTG[C>T]ACGCACAGCTGCAGAGCAGTGATGGTACTGGACAGTCTCGGCCACCCTTGCCCTCAGAGG-3'
Protein context (NP_005742.4, residues 3313-3333): SSTLDREREL[His3323Tyr]AQLQSSDGTG